The following is an entry in ClinVar:

ClinVar aggregate classification (germline): Uncertain significance (1 of 4 stars; one submission).

Allele frequency attached by ClinVar (database versions not stated): gnomAD 0.00001; TOPMed 0.00001; ExAC 0.00002; gnomAD exomes 0.00002.
gnomAD v4.1: 28 of 1,614,044 alleles (0.0017%); highest among the groups gnomAD compares: Middle Eastern, 0.016%; no homozygotes.

Submission:

Centre of Medical Genetics, University Hospital Muenster
Classification: Uncertain significance. Last evaluated: 2021-12-15. Review status: criteria provided, single submitter. Criteria: ACMG Guidelines, 2015. Collection method: clinical testing. Allele origin: unknown. Affected: yes. Observed: 1 variant allele, 1 heterozygote.
Comment: ACMG categories: PM2,PP3

NM_001256071.3(RNF213):c.9649G>A (p.Val3217Ile)

Gene: RNF213 (ring finger protein 213; plus strand). Cytogenetic location: 17q25.3.
Variant type: single nucleotide variant.
Coding change: c.9649G>A on transcript NM_001256071.3 (MANE Select); coding-DNA position 9649, G replaced by A.
Protein change: p.Val3217Ile; replaces valine 3217 with isoleucine.
Molecular consequence: missense variant.
Genome position (GRCh38, 1-based): chr17:80,347,984, G>A. VCF-style: chr17-80347984-G-A. GRCh37 (hg19) VCF-style: chr17-78321784-G-A.
Other names: c.9796G>A, p.Val3266Ile (NM_001410195.1, NM_020914.5); short protein forms V3217I, V3266I.
Identifiers: ClinVar variation 1708276 (VCV001708276.2), dbSNP rs767748024, ClinGen allele CA8821162.